The following is an entry in ClinVar:

NM_006361.6(HOXB13):c.712A>G (p.Asn238Asp)

Gene: HOXB13 (homeobox B13; minus strand). Cytogenetic location: 17q21.32.
Variant type: single nucleotide variant.
Coding change: c.712A>G on transcript NM_006361.6 (MANE Select); coding-DNA position 712, A replaced by G.
Protein change: p.Asn238Asp; replaces asparagine 238 with aspartic acid.
Molecular consequence: missense variant.
Genome position (GRCh38, 1-based): chr17:48,726,933, T>C on the plus strand (A>G on the coding strand, the complement: HOXB13 is on the minus strand). VCF-style: chr17-48726933-T-C. GRCh37 (hg19) VCF-style: chr17-46804295-T-C.
Other names: short protein forms N238D.
Identifiers: ClinVar variation 3384968 (VCV003384968.4).

ClinVar aggregate classification (germline): Uncertain significance. Review status: criteria provided, multiple submitters, no conflicts (2 of 4 stars). 3 submissions from 3 submitters: Uncertain significance (3). Last evaluated 2025-06-06.

Conditions:
Hereditary cancer-predisposing syndrome. Also called: Neoplastic Syndromes, Hereditary; Hereditary Cancer Syndrome; Tumor predisposition; Hereditary neoplastic syndrome. Identifiers: Orphanet 140162, MedGen C0027672, MeSH D009386, MONDO:0015356.

Submissions (3):

Labcorp Genetics (formerly Invitae), Labcorp
Classification: Uncertain significance. Last evaluated: 2025-06-06. Review status: criteria provided, single submitter. Criteria: Invitae Variant Classification Sherloc (09022015). Collection method: clinical testing. Allele origin: germline.
Comment: This sequence change replaces asparagine, which is neutral and polar, with aspartic acid, which is acidic and polar, at codon 238 of the HOXB13 protein (p.Asn238Asp). This variant is not present in population databases (gnomAD no frequency). This variant has not been reported in the literature in individuals affected with HOXB13-related conditions. ClinVar contains an entry for this variant (Variation ID: 3384968). Invitae Evidence Modeling of protein sequence and biophysical properties (such as structural, functional, and spatial information, amino acid conservation, physicochemical variation, residue mobility, and thermodynamic stability) indicates that this missense variant is not expected to disrupt HOXB13 protein function with a negative predictive value of 80%. In summary, the available evidence is currently insufficient to determine the role of this variant in disease. Therefore, it has been classified as a Variant of Uncertain Significance.

Ambry Genetics
Classification: Uncertain significance for Hereditary cancer-predisposing syndrome. Last evaluated: 2024-12-14. Review status: criteria provided, single submitter. Criteria: Ambry Variant Classification Scheme 2023. Collection method: clinical testing. Allele origin: germline.
Comment: The p.N238D variant (also known as c.712A>G), located in coding exon 2 of the HOXB13 gene, results from an A to G substitution at nucleotide position 712. The asparagine at codon 238 is replaced by aspartic acid, an amino acid with highly similar properties. This amino acid position is conserved. In addition, the in silico prediction for this alteration is inconclusive. Based on the available evidence, the clinical significance of this variant remains unclear.

Women's Health and Genetics/Laboratory Corporation of America, LabCorp
Classification: Uncertain significance. Last evaluated: 2024-10-03. Review status: criteria provided, single submitter. Criteria: LabCorp Variant Classification Summary - May 2015. Collection method: clinical testing. Allele origin: germline.
Comment: Variant summary: HOXB13 c.712A>G (p.Asn238Asp) results in a conservative amino acid change located in the Homeodomain (IPR001356) of the encoded protein sequence. Four of five in-silico tools predict a damaging effect of the variant on protein function. The variant was absent in 251442 control chromosomes. The available data on variant occurrences in the general population are insufficient to allow any conclusion about variant significance. To our knowledge, no occurrence of c.712A>G in individuals affected with Prostate Cancer and no experimental evidence demonstrating its impact on protein function have been reported. No submitters have cited clinical-significance assessments for this variant to ClinVar. Based on the evidence outlined above, the variant was classified as uncertain significance.